The following is an entry in ClinVar:

ClinVar aggregate classification (germline): Uncertain significance (1 of 4 stars; one submission).

Conditions:
Hereditary cancer-predisposing syndrome. Also called: Neoplastic Syndromes, Hereditary; Tumor predisposition; Hereditary Cancer Syndrome; Hereditary neoplastic syndrome. Identifiers: Orphanet 140162, MedGen C0027672, MeSH D009386, MONDO:0015356.

Submission:

Ambry Genetics
Classification: Uncertain significance for Hereditary cancer-predisposing syndrome. Last evaluated: 2025-07-28. Review status: criteria provided, single submitter. Criteria: Ambry Variant Classification Scheme 2023. Collection method: clinical testing. Allele origin: germline.
Comment: The p.A77P variant (also known as c.229G>C), located in coding exon 3 of the TSC2 gene, results from a G to C substitution at nucleotide position 229. The alanine at codon 77 is replaced by proline, an amino acid with highly similar properties. This amino acid position is conserved. In addition, this alteration is predicted to be deleterious by in silico analysis. Based on the available evidence, the clinical significance of this variant remains unclear.

NM_000548.5(TSC2):c.229G>C (p.Ala77Pro)

Gene: TSC2 (TSC complex subunit 2; plus strand). Cytogenetic location: 16p13.3.
Variant type: single nucleotide variant.
Coding change: c.229G>C on transcript NM_000548.5 (MANE Select); coding-DNA position 229, G replaced by C.
Protein change: p.Ala77Pro; replaces alanine 77 with proline.
Molecular consequence: missense variant. On other transcripts: 5 prime UTR variant (14), non-coding transcript variant (5), intron variant (9).
Genome position (GRCh38, 1-based): chr16:2,053,345, G>C. VCF-style: chr16-2053345-G-C. GRCh37 (hg19) VCF-style: chr16-2103346-G-C.
Other names: c.229G>C, p.Ala77Pro (NM_001077183.3, NM_001114382.3, NM_001363528.2 and 10 more transcripts); c.82G>C, p.Ala28Pro (NM_001318829.2, NM_001406675.1, NM_001406676.1 and 2 more transcripts); c.262G>C, p.Ala88Pro (NM_001318832.2); c.-588G>C (NM_001406680.1, NM_001406683.1, NM_001406687.1); c.-217G>C (NM_001406681.1); c.-1203G>C (NM_001406689.1, NM_001406690.1, NM_001406691.1 and 2 more transcripts); c.-1509G>C (NM_001406693.1); c.-1084G>C (NM_001406694.1, NM_001406695.1); and 4 more; short protein forms A88P, A28P, A77P.
Identifiers: ClinVar variation 4192166 (VCV004192166.1).